The following is an entry in ClinVar:

NM_000488.4(SERPINC1):c.981A>G (p.Val327=)

Gene: SERPINC1 (serpin family C member 1; minus strand). Cytogenetic location: 1q25.1.
Variant type: single nucleotide variant.
Coding change: c.981A>G on transcript NM_000488.4 (MANE Select); coding-DNA position 981, A replaced by G.
Protein change: p.Val327=; no amino-acid change (valine 327 retained).
Molecular consequence: synonymous variant.
Genome position (GRCh38, 1-based): chr1:173,909,724, T>C on the plus strand (A>G on the coding strand, the complement: SERPINC1 is on the minus strand). VCF-style: chr1-173909724-T-C. GRCh37 (hg19) VCF-style: chr1-173878862-T-C.
Other names: NM_000488.3(SERPINC1):c.981A>G; p.Val327=; c.837A>G, p.Val279= (NM_001365052.2); c.1104A>G, p.Val368= (NM_001386302.1); c.1062A>G, p.Val354= (NM_001386303.1); c.960A>G, p.Val320= (NM_001386304.1); c.924A>G, p.Val308= (NM_001386305.1); c.765A>G, p.Val255= (NM_001386306.1).
Identifiers: ClinVar variation 256248 (VCV000256248.22), dbSNP rs5877, ClinGen allele CA1251300.

ClinVar aggregate classification (germline): Benign. Review status: reviewed by expert panel (3 of 4 stars). 9 submissions from 9 submitters: Benign (1). 8 of the submissions do not count toward it. Last evaluated 2023-07-25.

Conditions:
Hereditary antithrombin deficiency (AT3D). Also called: Reduced antithrombin III activity; Antithrombin III deficiency; Thrombophilia due to antithrombin III deficiency; Antithrombin deficiency. Identifiers: Orphanet 82, MedGen C0272375, MONDO:0013144, OMIM 613118, HP:0001976.

Allele frequency attached by ClinVar (database versions not stated): gnomAD 0.47782 and 0.48114; ESP Exome Variant Server 0.48362; TOPMed 0.50070; 1000 Genomes Project 0.54533; 1000 Genomes Project 30x 0.55028; gnomAD exomes 0.35735 and 0.40153; ExAC 0.40788.
gnomAD v4.1: 597,732 of 1,613,786 alleles (37%); highest among the groups gnomAD compares: African/African-American, 77%; 120,693 homozygotes.

Submissions (9):

Clingen Thrombosis Variant Curation Expert Panel, ClinGen
Classification: Benign for Hereditary antithrombin deficiency. Last evaluated: 2023-07-25. Review status: reviewed by expert panel. Criteria: ClinGen ACMG Specifications SERPINC1 V1.0.0. Collection method: curation. Allele origin: germline. Inheritance: Autosomal dominant inheritance.
Comment: The c.981A>G (p.Val327=) variant is reported at an Popmax FAF MAF of 0.7471 (19267/24962 alleles) in the African/African-American population in the genomes in gnomAD v2.1.1 with a total of 26873 homozygotes, meeting BA1 criteria of FAF >= 0.002. The variant has been reported in one heterozygous individual with normal AT activity levels (85%) meeting BS2_Supporting criteria. This synonymous variant is not predicted to impact splicing by SpliceAI and VARSEAK meeting BP4 criteria. In summary, this variant meets criteria to be classified as benign. ACMG/AMP criteria applied, as specified by the Thrombosis Variant Curation Expert Panel for SERPINC1: BA1, BP4, BS2_Supporting.

Labcorp Genetics (formerly Invitae), Labcorp
Classification: Benign for Hereditary antithrombin deficiency. Last evaluated: 2026-02-04. Review status: criteria provided, single submitter. Criteria: Invitae Variant Classification Sherloc (09022015). Collection method: clinical testing. Allele origin: germline. Not counted in ClinVar's aggregate classification.

Blueprint Genetics
Classification: Benign. Last evaluated: 2024-11-26. Review status: criteria provided, single submitter. Criteria: ACMG Guidelines, 2015. Collection method: clinical testing. Allele origin: germline. Not counted in ClinVar's aggregate classification.

Genome-Nilou Lab
Classification: Benign for Hereditary antithrombin deficiency. Last evaluated: 2021-07-15. Review status: criteria provided, single submitter. Criteria: ACMG Guidelines, 2015. Collection method: clinical testing. Allele origin: germline. Affected: no. Not counted in ClinVar's aggregate classification.

GeneDx
Classification: Benign. Last evaluated: 2018-10-31. Review status: criteria provided, single submitter. Criteria: GeneDx Variant Classification Process June 2021. Collection method: clinical testing. Allele origin: germline. Affected: yes. Not counted in ClinVar's aggregate classification.

Illumina Laboratory Services, Illumina
Classification: Benign for Hereditary antithrombin deficiency. Last evaluated: 2018-01-13. Review status: criteria provided, single submitter. Criteria: ICSL Variant Classification Criteria 13 December 2019. Collection method: clinical testing. Allele origin: germline. Not counted in ClinVar's aggregate classification.
Comment: This variant was observed in the ICSL laboratory as part of a predisposition screen in an ostensibly healthy population. It had not been previously curated by ICSL or reported in the Human Gene Mutation Database (HGMD: prior to June 1st, 2018), and was therefore a candidate for classification through an automated scoring system. Utilizing variant allele frequency, disease prevalence and penetrance estimates, and inheritance mode, an automated score was calculated to assess if this variant is too frequent to cause the disease. Based on the score and internal cut-off values, a variant classified as benign is not then subjected to further curation. The score for this variant resulted in a classification of benign for this disease.

Mayo Clinic Laboratories, Mayo Clinic
Classification: Benign. Last evaluated: 2016-05-26. Review status: criteria provided, single submitter. Criteria: ACMG Guidelines, 2015. Collection method: clinical testing. Allele origin: germline. Observed: 199 variant alleles. Not counted in ClinVar's aggregate classification.

Breakthrough Genomics
Classification: Benign. Review status: criteria provided, single submitter. Criteria: ACMG Guidelines, 2015. Collection method: not provided. Allele origin: germline. Inheritance: Autosomal dominant inheritance. Affected: yes. Not counted in ClinVar's aggregate classification.

PreventionGenetics, part of Exact Sciences
Classification: Benign. Review status: criteria provided, single submitter. Criteria: ACMG Guidelines, 2015. Collection method: clinical testing. Allele origin: germline. Not counted in ClinVar's aggregate classification.